The following is an entry in ClinVar:

NM_000038.6(APC):c.8278A>T (p.Thr2760Ser)

Gene: APC (APC regulator of Wnt signaling pathway; plus strand). Cytogenetic location: 5q22.2.
Variant type: single nucleotide variant.
Coding change: c.8278A>T on transcript NM_000038.6 (MANE Select); coding-DNA position 8278, A replaced by T.
Protein change: p.Thr2760Ser; replaces threonine 2760 with serine.
Molecular consequence: missense variant. On other transcripts: non-coding transcript variant (2).
Genome position (GRCh38, 1-based): chr5:112,843,872, A>T. VCF-style: chr5-112843872-A-T. GRCh37 (hg19) VCF-style: chr5-112179569-A-T.
Other names: c.7798A>T, p.Thr2600Ser (NM_001354905.2); c.7429A>T, p.Thr2477Ser (NM_001354906.2, NM_001407470.1); c.8362A>T, p.Thr2788Ser (NM_001407446.1); c.8332A>T, p.Thr2778Ser (NM_001407447.1, NM_001407448.1, NM_001407449.1 and 1 more transcripts); c.8278A>T, p.Thr2760Ser (NM_001407450.1, NM_001127510.3, NM_001354895.2); c.8257A>T, p.Thr2753Ser (NM_001407451.1); c.8248A>T, p.Thr2750Ser (NM_001407452.1); c.8101A>T, p.Thr2701Ser (NM_001407453.1, NM_001354901.2); and 11 more; short protein forms T2376S, T2677S, T2701S, T2732S, T2770S, T2778S, T2788S, T2634S.
Identifiers: ClinVar variation 5024638 (VCV005024638.1).

ClinVar aggregate classification (germline): Uncertain significance (1 of 4 stars; one submission).

Conditions:
Hereditary cancer-predisposing syndrome. Also called: Neoplastic Syndromes, Hereditary; Tumor predisposition; Hereditary neoplastic syndrome; Hereditary Cancer Syndrome. Identifiers: Orphanet 140162, MedGen C0027672, MeSH D009386, MONDO:0015356.

Submission:

Ambry Genetics
Classification: Uncertain significance for Hereditary cancer-predisposing syndrome. Last evaluated: 2026-06-18. Review status: criteria provided, single submitter. Criteria: Ambry Variant Classification Scheme 2023. Collection method: clinical testing. Allele origin: germline.
Comment: The p.T2760S variant (also known as c.8278A>T), located in coding exon 15 of the APC gene, results from an A to T substitution at nucleotide position 8278. The threonine at codon 2760 is replaced by serine, an amino acid with similar properties. This amino acid position is conserved. In addition, in silico predictors for this gene do not accurately predict pathogenicity. Based on the available evidence, the clinical significance of this variant remains unclear.